The following is an entry in ClinVar:

NM_001098626.2(ZNF98):c.1398A>G (p.Glu466=)

Gene: ZNF98 (zinc finger protein 98; minus strand). Cytogenetic location: 19p12.
Variant type: single nucleotide variant.
Coding change: c.1398A>G on transcript NM_001098626.2 (MANE Select); coding-DNA position 1398, A replaced by G.
Protein change: p.Glu466=; no amino-acid change (glutamic acid 466 retained).
Molecular consequence: synonymous variant.
Genome position (GRCh38, 1-based): chr19:22,391,837, T>C on the plus strand (A>G on the coding strand, the complement: ZNF98 is on the minus strand). VCF-style: chr19-22391837-T-C. GRCh37 (hg19) VCF-style: chr19-22574639-T-C.
Identifiers: ClinVar variation 2649648 (VCV002649648.24), dbSNP rs2512903733, ClinGen allele CA506618252.

ClinVar aggregate classification (germline): Likely benign (1 of 4 stars; one submission).

Allele frequency attached by ClinVar (database versions not stated): gnomAD exomes below 0.00001.
gnomAD v4.1: 1 of 1,605,304 alleles (0.000062%); highest among the groups gnomAD compares: African/African-American, 0.0014%; no homozygotes.

Submission:

CeGaT Center for Human Genetics Tuebingen
Classification: Likely benign. Last evaluated: 2023-03-01. Review status: criteria provided, single submitter. Criteria: CeGaT Center For Human Genetics Tuebingen Variant Classification Criteria Version 2. Collection method: clinical testing. Allele origin: germline. Affected: yes. Observed: 1 variant allele.
Comment: ZNF98: PM2:Supporting, BP4, BP7